The following is an entry in ClinVar:

NM_000548.5(TSC2):c.2180C>T (p.Pro727Leu)

Gene: TSC2 (TSC complex subunit 2; plus strand). Cytogenetic location: 16p13.3.
Variant type: single nucleotide variant.
Coding change: c.2180C>T on transcript NM_000548.5 (MANE Select); coding-DNA position 2180, C replaced by T.
Protein change: p.Pro727Leu; replaces proline 727 with leucine.
Molecular consequence: missense variant.
Genome position (GRCh38, 1-based): chr16:2,072,323, C>T. VCF-style: chr16-2072323-C-T. GRCh37 (hg19) VCF-style: chr16-2122324-C-T.
Other names: c.2180C>T, p.Pro727Leu (NM_001077183.3, NM_001114382.3, NM_001363528.2 and 3 more transcripts); c.2069C>T, p.Pro690Leu (NM_001318827.2); c.2033C>T, p.Pro678Leu (NM_001318829.2); c.1580C>T, p.Pro527Leu (NM_001318831.2); c.2213C>T, p.Pro738Leu (NM_001318832.2); short protein forms P727L, P678L, P527L, P738L, P690L.
Identifiers: ClinVar variation 231749 (VCV000231749.18), dbSNP rs767086409, ClinGen allele CA036994.

ClinVar aggregate classification (germline): Conflicting classifications of pathogenicity. Review status: criteria provided, conflicting classifications (1 of 4 stars). 3 submissions from 3 submitters: Uncertain significance (2); Benign (1). Last evaluated 2025-11-21.

Conditions:
Hereditary cancer-predisposing syndrome. Also called: Hereditary Cancer Syndrome; Neoplastic Syndromes, Hereditary; Tumor predisposition; Hereditary neoplastic syndrome. Identifiers: Orphanet 140162, MedGen C0027672, MeSH D009386, MONDO:0015356.
Tuberous sclerosis 2 (TSC2). Identifiers: Orphanet 805, MedGen C1860707, MONDO:0013199, OMIM 613254.

Allele frequency attached by ClinVar (database versions not stated): gnomAD below 0.00001 and 0.00001; gnomAD exomes below 0.00001 and 0.00001; ExAC 0.00001.

Submissions (3):

Ambry Genetics
Classification: Uncertain significance for Hereditary cancer-predisposing syndrome. Last evaluated: 2025-11-21. Review status: criteria provided, single submitter. Criteria: Ambry Variant Classification Scheme 2023. Collection method: clinical testing. Allele origin: germline.
Comment: The p.P727L variant (also known as c.2180C>T), located in coding exon 19 of the TSC2 gene, results from a C to T substitution at nucleotide position 2180. The proline at codon 727 is replaced by leucine, an amino acid with similar properties. This amino acid position is well conserved in available vertebrate species. In addition, the in silico prediction for this alteration is inconclusive. Based on the available evidence, the clinical significance of this variant remains unclear.

Labcorp Genetics (formerly Invitae), Labcorp
Classification: Benign for Tuberous sclerosis 2. Last evaluated: 2025-09-30. Review status: criteria provided, single submitter. Criteria: Invitae Variant Classification Sherloc (09022015). Collection method: clinical testing. Allele origin: germline.

Genome-Nilou Lab
Classification: Uncertain significance for Tuberous sclerosis 2. Last evaluated: 2021-11-07. Review status: criteria provided, single submitter. Criteria: ACMG Guidelines, 2015. Collection method: clinical testing. Allele origin: germline. Affected: no.